The following is an entry in ClinVar:

ClinVar aggregate classification (germline): Likely benign (1 of 4 stars; one submission).

gnomAD v4.1: 2 of 46,950 alleles (0.0043%); highest among the groups gnomAD compares: South Asian, 0.012%; no homozygotes.

Submission:

CeGaT Center for Human Genetics Tuebingen
Classification: Likely benign. Last evaluated: 2025-10-01. Review status: criteria provided, single submitter. Criteria: CeGaT Center For Human Genetics Tuebingen Variant Classification Criteria Version 2. Collection method: clinical testing. Allele origin: germline. Affected: yes. Observed: 4 variant alleles.
Comment: NBPF10: BP4, BP7

NM_001302371.3(NBPF10):c.957C>T (p.Ser319=)

Gene: NBPF10 (NBPF member 10; minus strand). Cytogenetic location: 1q21.1.
Variant type: single nucleotide variant.
Coding change: c.957C>T on transcript NM_001302371.3 (MANE Select); coding-DNA position 957, C replaced by T.
Protein change: p.Ser319=; no amino-acid change (serine 319 retained).
Molecular consequence: synonymous variant.
Genome position (GRCh38, 1-based): chr1:146,138,267, G>A on the plus strand (C>T on the coding strand, the complement: NBPF10 is on the minus strand). VCF-style: chr1-146138267-G-A. GRCh37 (hg19) VCF-style: chr1-145299908-C-T.
Other names: c.957C>T, p.Ser319= (NM_001039703.6).
Identifiers: ClinVar variation 3770576 (VCV003770576.13).